The following is an entry in ClinVar:

NM_017775.4(TTC19):c.411C>T (p.Tyr137=)

Gene: TTC19 (tetratricopeptide repeat domain 19; plus strand). Cytogenetic location: 17p12.
Variant type: single nucleotide variant.
Coding change: c.411C>T on transcript NM_017775.4 (MANE Select); coding-DNA position 411, C replaced by T.
Protein change: p.Tyr137=; no amino-acid change (tyrosine 137 retained).
Molecular consequence: synonymous variant.
Genome position (GRCh38, 1-based): chr17:16,002,013, C>T. VCF-style: chr17-16002013-C-T. GRCh37 (hg19) VCF-style: chr17-15905327-C-T.
Other names: c.90C>T, p.Tyr30= (NM_001271420.2).
Identifiers: ClinVar variation 667520 (VCV000667520.1), dbSNP rs763402516, ClinGen allele CA8407332.

ClinVar aggregate classification (germline): Likely benign (1 of 4 stars; one submission).

Allele frequency attached by ClinVar (database versions not stated): gnomAD exomes below 0.00001 and 0.00001; TOPMed below 0.00001; ExAC 0.00001.
gnomAD v4.1: 14 of 1,611,406 alleles (0.00087%); highest among the groups gnomAD compares: Non-Finnish European, 0.0011%; no homozygotes.

Submission:

GeneDx
Classification: Likely benign. Last evaluated: 2018-05-21. Review status: criteria provided, single submitter. Criteria: GeneDx Variant Classification (06012015). Collection method: clinical testing. Allele origin: germline. Affected: yes.
Comment: This variant is considered likely benign or benign based on one or more of the following criteria: it is a conservative change, it occurs at a poorly conserved position in the protein, it is predicted to be benign by multiple in silico algorithms, and/or has population frequency not consistent with disease.